The following is an entry in ClinVar:

NM_016507.4(CDK12):c.878G>A (p.Ser293Asn)

Genes: CDK12 (cyclin dependent kinase 12; plus strand), LOC126862553 (CDK7 strongly-dependent group 2 enhancer GRCh37_chr17:37618166-37619365; plus strand). Cytogenetic location: 17q12.
Variant type: single nucleotide variant.
Coding change: c.878G>A on transcript NM_016507.4 (MANE Select); coding-DNA position 878, G replaced by A.
Protein change: p.Ser293Asn; replaces serine 293 with asparagine.
Molecular consequence: missense variant.
Genome position (GRCh38, 1-based): chr17:39,462,949, G>A. VCF-style: chr17-39462949-G-A. GRCh37 (hg19) VCF-style: chr17-37619202-G-A.
Other names: c.878G>A, p.Ser293Asn (NM_015083.4); short protein forms S293N.
Identifiers: ClinVar variation 3999354 (VCV003999354.1).

ClinVar aggregate classification (germline): Uncertain significance (1 of 4 stars; one submission).

gnomAD v4.1: 10 of 1,614,198 alleles (0.00062%); highest among the groups gnomAD compares: Non-Finnish European, 0.00085%; no homozygotes.

Submission:

Ambry Genetics
Classification: Uncertain significance. Last evaluated: 2025-04-14. Review status: criteria provided, single submitter. Criteria: Ambry Variant Classification Scheme 2023. Collection method: clinical testing. Allele origin: germline.
Comment: The p.S293N variant (also known as c.878G>A), located in coding exon 1 of the CDK12 gene, results from a G to A substitution at nucleotide position 878. The serine at codon 293 is replaced by asparagine, an amino acid with highly similar properties. This amino acid position is conserved. In addition, this alteration is predicted to be tolerated by in silico analysis. Based on the available evidence, the clinical significance of this variant remains unclear.